The following is an entry in ClinVar:

NM_006922.4(SCN3A):c.2204A>G (p.Asn735Ser)

Gene: SCN3A (sodium voltage-gated channel alpha subunit 3; minus strand). Cytogenetic location: 2q24.3.
Variant type: single nucleotide variant.
Coding change: c.2204A>G on transcript NM_006922.4 (MANE Select); coding-DNA position 2204, A replaced by G.
Protein change: p.Asn735Ser; replaces asparagine 735 with serine.
Molecular consequence: missense variant.
Genome position (GRCh38, 1-based): chr2:165,138,066, T>C on the plus strand (A>G on the coding strand, the complement: SCN3A is on the minus strand). VCF-style: chr2-165138066-T-C. GRCh37 (hg19) VCF-style: chr2-165994576-T-C.
Other names: c.2057A>G, p.Asn686Ser (NM_001081676.2, NM_001081677.2); short protein forms N686S, N735S.
Identifiers: ClinVar variation 642749 (VCV000642749.14), dbSNP rs1169251444, ClinGen allele CA349045365.
Genomic context (GRCh38, chr2:165,138,066, plus strand): 5'-AAATTCACAAGATGTTTTACTTTTAACCATGCATCACAGCAGTCCCAGATCAAGAACACA[T>C]TGGCAAATCTATACCAGCATGGCGGACATTTCTGTCTAGATTCTTCAAGTTCTGGAGGGA-3'
Protein context (NP_008853.3, residues 725-745): KCPPCWYRFA[Asn735Ser]VFLIWDCCDA

ClinVar aggregate classification (germline): Uncertain significance. Review status: criteria provided, multiple submitters, no conflicts (2 of 4 stars). 3 submissions from 3 submitters: Uncertain significance (3). Last evaluated 2026-01-12.

Conditions:
Inborn genetic diseases. Identifiers: MedGen C0950123, MeSH D030342.

Allele frequency attached by ClinVar (database versions not stated): gnomAD exomes below 0.00001; TOPMed 0.00001; gnomAD 0.00003.
gnomAD v4.1: 4 of 1,613,620 alleles (0.00025%); highest among the groups gnomAD compares: African/African-American, 0.0027%; no homozygotes.

Submissions (3):

Labcorp Genetics (formerly Invitae), Labcorp
Classification: Uncertain significance. Last evaluated: 2026-01-12. Review status: criteria provided, single submitter. Criteria: Invitae Variant Classification Sherloc (09022015). Collection method: clinical testing. Allele origin: germline.
Comment: This sequence change replaces asparagine, which is neutral and polar, with serine, which is neutral and polar, at codon 735 of the SCN3A protein (p.Asn735Ser). This variant is present in population databases (no rsID available, gnomAD 0.004%). This missense change has been observed in individual(s) with SCN3A-related conditions (PMID: 37575640). ClinVar contains an entry for this variant (Variation ID: 642749). Invitae Evidence Modeling of protein sequence and biophysical properties (such as structural, functional, and spatial information, amino acid conservation, physicochemical variation, residue mobility, and thermodynamic stability) indicates that this missense variant is not expected to disrupt SCN3A protein function with a negative predictive value of 95%. In summary, the available evidence is currently insufficient to determine the role of this variant in disease. Therefore, it has been classified as a Variant of Uncertain Significance.

Revvity Omics, Revvity
Classification: Uncertain significance. Last evaluated: 2022-02-07. Review status: criteria provided, single submitter. Criteria: ACMG Guidelines, 2015. Collection method: clinical testing. Allele origin: germline.

Ambry Genetics
Classification: Uncertain significance for Inborn genetic diseases. Last evaluated: 2021-09-16. Review status: criteria provided, single submitter. Criteria: Ambry Variant Classification Scheme 2023. Collection method: clinical testing. Allele origin: germline.

Literature cited by the submitters: PubMed 37575640 (cited by Labcorp Genetics (formerly Invitae), Labcorp).